The following is an entry in ClinVar:

NM_004360.5(CDH1):c.1236A>G (p.Val412=)

Gene: CDH1 (cadherin 1; plus strand). Cytogenetic location: 16q22.1.
Variant type: single nucleotide variant.
Coding change: c.1236A>G on transcript NM_004360.5 (MANE Select); coding-DNA position 1236, A replaced by G.
Protein change: p.Val412=; no amino-acid change (valine 412 retained).
Molecular consequence: synonymous variant. On other transcripts: intron variant (1), 5 prime UTR variant (2).
Genome position (GRCh38, 1-based): chr16:68,813,411, A>G. VCF-style: chr16-68813411-A-G. GRCh37 (hg19) VCF-style: chr16-68847314-A-G.
Other names: c.1137+1148A>G (NM_001317184.2); c.-380A>G (NM_001317185.2); c.-584A>G (NM_001317186.2).
Identifiers: ClinVar variation 2116442 (VCV002116442.7), dbSNP rs1198273516, ClinGen allele CA496392824.

ClinVar aggregate classification (germline): Benign/Likely benign. Review status: criteria provided, multiple submitters, no conflicts (2 of 4 stars). 3 submissions from 3 submitters: Benign (1); Likely benign (2). Last evaluated 2024-10-16.

Conditions:
Hereditary diffuse gastric adenocarcinoma (HDGC). Also called: DIFFUSE GASTRIC AND LOBULAR BREAST CANCER SYNDROME. Identifiers: Orphanet 26106, MedGen C1708349, MONDO:0007648, OMIM 137215.
Hereditary cancer-predisposing syndrome. Also called: Tumor predisposition; Hereditary Cancer Syndrome; Neoplastic Syndromes, Hereditary; Hereditary neoplastic syndrome. Identifiers: Orphanet 140162, MedGen C0027672, MeSH D009386, MONDO:0015356.

Allele frequency attached by ClinVar (database versions not stated): gnomAD exomes below 0.00001.
gnomAD v4.1: 1 of 1,614,168 alleles (0.000062%); highest among the groups gnomAD compares: Non-Finnish European, 0.000085%; no homozygotes.

Submissions (3):

Labcorp Genetics (formerly Invitae), Labcorp
Classification: Likely benign for Hereditary diffuse gastric adenocarcinoma. Last evaluated: 2024-10-16. Review status: criteria provided, single submitter. Criteria: Invitae Variant Classification Sherloc (09022015). Collection method: clinical testing. Allele origin: germline.

Myriad Genetics, Inc.
Classification: Benign for Hereditary diffuse gastric adenocarcinoma. Last evaluated: 2024-09-18. Review status: criteria provided, single submitter. Criteria: Myriad Autosomal Dominant, Autosomal Recessive and X-Linked Classification Criteria (2023). Collection method: clinical testing. Allele origin: unknown.
Comment: This variant is considered benign. This variant is a silent/synonymous amino acid change and it is not expected to impact splicing.

Ambry Genetics
Classification: Likely benign for Hereditary cancer-predisposing syndrome. Last evaluated: 2023-05-31. Review status: criteria provided, single submitter. Criteria: Ambry Variant Classification Scheme 2023. Collection method: clinical testing. Allele origin: germline.